The following is an entry in ClinVar:

ClinVar aggregate classification (germline): Uncertain significance (1 of 4 stars; one submission).

Conditions:
Brachyolmia-amelogenesis imperfecta syndrome. Also called: PLATYSPONDYLY WITH AMELOGENESIS IMPERFECTA; Tooth agenesis, selective, 6; Dental anomalies and short stature. Identifiers: Orphanet 2899, MedGen C1832594, MONDO:0011018, OMIM 601216. Disease mechanism: loss of function.

Submission:

Labcorp Genetics (formerly Invitae), Labcorp
Classification: Uncertain significance for Brachyolmia-amelogenesis imperfecta syndrome. Last evaluated: 2024-12-10. Review status: criteria provided, single submitter. Criteria: Invitae Variant Classification Sherloc (09022015). Collection method: clinical testing. Allele origin: germline.
Comment: This sequence change replaces cysteine, which is neutral and slightly polar, with arginine, which is basic and polar, at codon 1239 of the LTBP3 protein (p.Cys1239Arg). This variant is not present in population databases (gnomAD no frequency). This variant has not been reported in the literature in individuals affected with LTBP3-related conditions. An algorithm developed to predict the effect of missense changes on protein structure and function (PolyPhen-2) suggests that this variant is likely to be disruptive. In summary, the available evidence is currently insufficient to determine the role of this variant in disease. Therefore, it has been classified as a Variant of Uncertain Significance.

NM_001130144.3(LTBP3):c.3715T>C (p.Cys1239Arg)

Gene: LTBP3 (latent transforming growth factor beta binding protein 3; minus strand). Cytogenetic location: 11q13.1.
Variant type: single nucleotide variant.
Coding change: c.3715T>C on transcript NM_001130144.3 (MANE Select); coding-DNA position 3715, T replaced by C.
Protein change: p.Cys1239Arg; replaces cysteine 1239 with arginine.
Molecular consequence: missense variant.
Genome position (GRCh38, 1-based): chr11:65,539,373, A>G on the plus strand (T>C on the coding strand, the complement: LTBP3 is on the minus strand). VCF-style: chr11-65539373-A-G. GRCh37 (hg19) VCF-style: chr11-65306844-A-G.
Other names: c.3223T>C, p.Cys1075Arg (NM_001164266.1); c.3574T>C, p.Cys1192Arg (NM_021070.4); short protein forms C1075R, C1192R, C1239R.
Identifiers: ClinVar variation 3619540 (VCV003619540.2).